The following is an entry in ClinVar:

ClinVar aggregate classification (germline): Uncertain significance (1 of 4 stars; one submission).

Conditions:
Dyskeratosis congenita. Identifiers: Orphanet 1775, MedGen C0265965, MONDO:0015780.

Allele frequency attached by ClinVar (database versions not stated): gnomAD exomes below 0.00001.
gnomAD v4.1: 2 of 1,614,172 alleles (0.00012%); highest among the groups gnomAD compares: South Asian, 0.0011%; no homozygotes.

Submission:

Labcorp Genetics (formerly Invitae), Labcorp
Classification: Uncertain significance for Dyskeratosis congenita. Last evaluated: 2021-11-24. Review status: criteria provided, single submitter. Criteria: Invitae Variant Classification Sherloc (09022015). Collection method: clinical testing. Allele origin: germline.
Comment: This sequence change replaces arginine, which is basic and polar, with glycine, which is neutral and non-polar, at codon 445 of the TINF2 protein (p.Arg445Gly). In summary, the available evidence is currently insufficient to determine the role of this variant in disease. Therefore, it has been classified as a Variant of Uncertain Significance. Algorithms developed to predict the effect of missense changes on protein structure and function (SIFT, PolyPhen-2, Align-GVGD) all suggest that this variant is likely to be tolerated. This variant has not been reported in the literature in individuals affected with TINF2-related conditions. This variant is not present in population databases (gnomAD no frequency).

NM_001099274.3(TINF2):c.1333A>G (p.Arg445Gly)

Gene: TINF2 (TERF1 interacting nuclear factor 2; minus strand). Cytogenetic location: 14q12.
Variant type: single nucleotide variant.
Coding change: c.1333A>G on transcript NM_001099274.3 (MANE Select); coding-DNA position 1333, A replaced by G.
Protein change: p.Arg445Gly; replaces arginine 445 with glycine.
Molecular consequence: missense variant. On other transcripts: 3 prime UTR variant (1).
Genome position (GRCh38, 1-based): chr14:24,239,820, T>C on the plus strand (A>G on the coding strand, the complement: TINF2 is on the minus strand). VCF-style: chr14-24239820-T-C. GRCh37 (hg19) VCF-style: chr14-24709026-T-C.
Other names: c.1228A>G, p.Arg410Gly (NM_001363668.2); c.*595A>G (NM_012461.3); short protein forms R410G, R445G.
Identifiers: ClinVar variation 1369342 (VCV001369342.6), dbSNP rs2138994183, ClinGen allele CA389219445.